The following is an entry in ClinVar:

NM_003334.4(UBA1):c.683A>C (p.Asn228Thr)

Gene: UBA1 (ubiquitin like modifier activating enzyme 1; plus strand). Cytogenetic location: Xp11.3.
Variant type: single nucleotide variant.
Coding change: c.683A>C on transcript NM_003334.4 (MANE Select); coding-DNA position 683, A replaced by C.
Protein change: p.Asn228Thr; replaces asparagine 228 with threonine.
Molecular consequence: missense variant.
Genome position (GRCh38, 1-based): chrX:47,201,482, A>C. VCF-style: chrX-47201482-A-C. GRCh37 (hg19) VCF-style: chrX-47060881-A-C.
Other names: c.683A>C, p.Asn228Thr (NM_153280.3); short protein forms N228T.
Identifiers: ClinVar variation 1479882 (VCV001479882.6), dbSNP rs1936415717, ClinGen allele CA412793126.
Genomic context (GRCh38, chrX:47,201,482, plus strand): 5'-CTGTCTGCTCTTGGTACCCTGGGCCTGTTTCTGAGACTCACTCTTCCTTTAACCAGGACA[A>C]CCCCGGTGTGGTTACCTGCCTGGATGAGGCCCGACACGGGTTTGAGAGCGGGGACTTTGT-3'
Protein context (NP_003325.2, residues 218-238): SAMVSMVTKD[Asn228Thr]PGVVTCLDEA

ClinVar aggregate classification (germline): Uncertain significance (1 of 4 stars; one submission).

Conditions:
Infantile-onset X-linked spinal muscular atrophy. Also called: AMC, DISTAL, X-LINKED; ARTHROGRYPOSIS, X-LINKED, TYPE I; SPINAL MUSCULAR ATROPHY, X-LINKED LETHAL INFANTILE; Spinal muscular atrophy, X-linked 2; Spinal Muscular Atrophy, X-Linked Infantile. Identifiers: Orphanet 1145, MedGen C1844934, MONDO:0010532, OMIM 301830.

Submission:

Labcorp Genetics (formerly Invitae), Labcorp
Classification: Uncertain significance for Infantile-onset X-linked spinal muscular atrophy. Last evaluated: 2021-09-14. Review status: criteria provided, single submitter. Criteria: Invitae Variant Classification Sherloc (09022015). Collection method: clinical testing. Allele origin: germline.
Comment: In summary, the available evidence is currently insufficient to determine the role of this variant in disease. Therefore, it has been classified as a Variant of Uncertain Significance. This sequence change replaces asparagine with threonine at codon 228 of the UBA1 protein (p.Asn228Thr). The asparagine residue is moderately conserved and there is a small physicochemical difference between asparagine and threonine. This variant is not present in population databases (ExAC no frequency). This variant has not been reported in the literature in individuals affected with UBA1-related conditions. Algorithms developed to predict the effect of missense changes on protein structure and function (SIFT, PolyPhen-2, Align-GVGD) all suggest that this variant is likely to be tolerated.